The following is an entry in ClinVar:

ClinVar aggregate classification (germline): Uncertain significance. Review status: criteria provided, multiple submitters, no conflicts (2 of 4 stars). 2 submissions from 2 submitters: Uncertain significance (2). Last evaluated 2022-08-15.

Conditions:
Charcot-Marie-Tooth disease type 2. Also called: Charcot-Marie-Tooth type 2. Identifiers: Orphanet 64746, MedGen C0270914, MONDO:0018993.

Allele frequency attached by ClinVar (database versions not stated): gnomAD 0.00001; ExAC 0.00002; gnomAD exomes 0.00002.
gnomAD v4.1: 17 of 1,614,066 alleles (0.0011%); highest among the groups gnomAD compares: Non-Finnish European, 0.000085%; no homozygotes.

Submissions (2):

Labcorp Genetics (formerly Invitae), Labcorp
Classification: Uncertain significance for Charcot-Marie-Tooth disease type 2. Last evaluated: 2022-08-15. Review status: criteria provided, single submitter. Criteria: Invitae Variant Classification Sherloc (09022015). Collection method: clinical testing. Allele origin: germline.
Comment: This variant has not been reported in the literature in individuals affected with AARS-related conditions. ClinVar contains an entry for this variant (Variation ID: 1682284). Algorithms developed to predict the effect of missense changes on protein structure and function are either unavailable or do not agree on the potential impact of this missense change (SIFT: "Tolerated"; PolyPhen-2: "Possibly Damaging"; Align-GVGD: "Class C0"). In summary, the available evidence is currently insufficient to determine the role of this variant in disease. Therefore, it has been classified as a Variant of Uncertain Significance. This variant is present in population databases (rs770790585, gnomAD 0.02%). This sequence change replaces lysine, which is basic and polar, with glutamine, which is neutral and polar, at codon 254 of the AARS protein (p.Lys254Gln).

Blueprint Genetics
Classification: Uncertain significance. Last evaluated: 2021-12-17. Review status: criteria provided, single submitter. Criteria: ACMG Guidelines, 2015. Collection method: clinical testing. Allele origin: germline.

NM_001605.3(AARS1):c.760A>C (p.Lys254Gln)

Gene: AARS1 (alanyl-tRNA synthetase 1; minus strand). Cytogenetic location: 16q22.1.
Variant type: single nucleotide variant.
Coding change: c.760A>C on transcript NM_001605.3 (MANE Select); coding-DNA position 760, A replaced by C.
Protein change: p.Lys254Gln; replaces lysine 254 with glutamine.
Molecular consequence: missense variant.
Genome position (GRCh38, 1-based): chr16:70,270,252, T>G on the plus strand (A>C on the coding strand, the complement: AARS1 is on the minus strand). VCF-style: chr16-70270252-T-G. GRCh37 (hg19) VCF-style: chr16-70304155-T-G.
Other names: short protein forms K254Q.
Identifiers: ClinVar variation 1682284 (VCV001682284.7), dbSNP rs770790585, ClinGen allele CA8141050.